The following is an entry in ClinVar:

ClinVar aggregate classification (germline): Uncertain significance (1 of 4 stars; one submission).

Conditions:
Cardiovascular phenotype. Identifiers: MedGen CN230736.

gnomAD v4.1: 4 of 1,613,958 alleles (0.00025%); highest among the groups gnomAD compares: Admixed American, 0.0017%; no homozygotes.

Submission:

Ambry Genetics
Classification: Uncertain significance for Cardiovascular phenotype. Last evaluated: 2024-02-09. Review status: criteria provided, single submitter. Criteria: Ambry Variant Classification Scheme 2023. Collection method: clinical testing. Allele origin: germline.
Comment: The p.R50L variant (also known as c.149G>T), located in coding exon 2 of the ABCG5 gene, results from a G to T substitution at nucleotide position 149. The arginine at codon 50 is replaced by leucine, an amino acid with dissimilar properties. This amino acid position is conserved. In addition, this alteration is predicted to be tolerated by in silico analysis. Based on the available evidence, the clinical significance of this alteration remains unclear.

NM_022436.3(ABCG5):c.149G>T (p.Arg50Leu)

Gene: ABCG5 (ATP binding cassette subfamily G member 5; minus strand). Cytogenetic location: 2p21.
Variant type: single nucleotide variant.
Coding change: c.149G>T on transcript NM_022436.3 (MANE Select); coding-DNA position 149, G replaced by T.
Protein change: p.Arg50Leu; replaces arginine 50 with leucine.
Molecular consequence: missense variant.
Genome position (GRCh38, 1-based): chr2:43,837,950, C>A on the plus strand (G>T on the coding strand, the complement: ABCG5 is on the minus strand). VCF-style: chr2-43837950-C-A. GRCh37 (hg19) VCF-style: chr2-44065089-C-A.
Other names: short protein forms R50L.
Identifiers: ClinVar variation 3227758 (VCV003227758.1), dbSNP rs200036521, ClinGen allele CA1636762.
Genomic context (GRCh38, chr2:43,837,950, plus strand): 5'-TTGAGGATCTGCCTGGTCCACTGCTGCCGGCAAGATGTGATGTCCCACCAGGGCCTCACG[C>A]GGTGGCTTTAAAGGAAACCCCAGGAAGGCAAAGGCAGCTTGGGGCCCTGGAAGGGGCCAC-3'
Protein context (NP_071881.1, residues 40-60): ILHASYSVSH[Arg50Leu]VRPWWDITSC